The following is an entry in ClinVar:

ClinVar aggregate classification (germline): Conflicting classifications of pathogenicity. Review status: criteria provided, conflicting classifications (1 of 4 stars). 2 submissions from 2 submitters: Uncertain significance (1); Likely benign (1). Last evaluated 2026-01-25.

Conditions:
Meckel-Gruber syndrome. Also called: Dysencephalia splachnocystica; DYSENCEPHALIA SPLANCHNOCYSTICA; GRUBER SYNDROME. Identifiers: Orphanet 564, MedGen C0265215, MONDO:0018921.
Joubert syndrome. Also called: Familial aplasia of the vermis; JOUBERT-BOLTSHAUSER SYNDROME. Identifiers: Orphanet 475, MedGen C5979921, MONDO:0018772.

Allele frequency attached by ClinVar (database versions not stated): ExAC 0.00004; gnomAD 0.00023 and 0.00026; TOPMed 0.00023; ESP Exome Variant Server 0.00034.
gnomAD v4.1: 49 of 1,567,938 alleles (0.0031%); highest among the groups gnomAD compares: African/African-American, 0.062%; no homozygotes.

Submissions (2):

Labcorp Genetics (formerly Invitae), Labcorp
Classification: Likely benign for Joubert syndrome; Meckel-Gruber syndrome. Last evaluated: 2026-01-25. Review status: criteria provided, single submitter. Criteria: Invitae Variant Classification Sherloc (09022015). Collection method: clinical testing. Allele origin: germline.

GeneDx
Classification: Uncertain significance. Last evaluated: 2016-03-22. Review status: criteria provided, single submitter. Criteria: GeneDx Variant Classification (06012015). Collection method: clinical testing. Allele origin: germline. Affected: yes.
Comment: A variant of uncertain significance has been identified in the CC2D2A gene. The c.3976-18 C>G variant has not beenpublished as a pathogenic variant, nor has it been reported as a benign variant to our knowledge. The c.3976-18 C>Gvariant was not observed with any significant frequency in approximately 5,900 individuals of European and AfricanAmerican ancestry in the NHLBI Exome Sequencing Project. Several in-silico splice prediction models predict thatc.3976-18 C>G may damage or destroy the natural splice acceptor site for intron 31 and create a cryptic acceptor sitewhich may lead to abnormal gene splicing. However, in the absence of RNA/functional studies, the actual effect of thissequence change is unknown. Additionally, this substitution occurs at a position that is notconserved. Therefore, based on the currently available information, it is unclear whether this variant is a pathogenicvariant or a rare benign variant.

NM_001378615.1(CC2D2A):c.3976-18C>G

Genes: CC2D2A (coiled-coil and C2 domain containing 2A; plus strand), FBXL5 (F-box and leucine rich repeat protein 5; minus strand). Cytogenetic location: 4p15.32.
Variant type: single nucleotide variant.
Coding change: c.3976-18C>G on transcript NM_001378615.1 (MANE Select); 18 bases into the intron before coding-DNA position 3976, C replaced by G.
Molecular consequence: intron variant.
Genome position (GRCh38, 1-based): chr4:15,586,139, C>G. VCF-style: chr4-15586139-C-G. GRCh37 (hg19) VCF-style: chr4-15587762-C-G.
Other names: c.3976-18C>G (NM_001080522.2); c.3829-18C>G (NM_001378617.1).
Identifiers: ClinVar variation 420644 (VCV000420644.10), dbSNP rs375782772, ClinGen allele CA2864277.